The following is an entry in ClinVar:

ClinVar aggregate classification (germline): Conflicting classifications of pathogenicity. Review status: criteria provided, conflicting classifications (1 of 4 stars). 4 submissions from 4 submitters: Pathogenic (1); Likely pathogenic (2); Uncertain significance (1). Last evaluated 2025-10-03.

Conditions:
Hereditary cancer-predisposing syndrome. Also called: Neoplastic Syndromes, Hereditary; Tumor predisposition; Hereditary Cancer Syndrome; Hereditary neoplastic syndrome. Identifiers: Orphanet 140162, MedGen C0027672, MeSH D009386, MONDO:0015356.
Breast-ovarian cancer, familial, susceptibility to, 1 (BROVCA1). Also called: BRCA1 Hereditary Breast and Ovarian Cancer; OVARIAN CANCER, SUSCEPTIBILITY TO. Identifiers: Orphanet 145, MedGen C2676676, MONDO:0011450, OMIM 604370. Disease mechanism: loss of function.
Hereditary breast ovarian cancer syndrome. Also called: Hereditary breast and ovarian cancer syndrome; Breast and ovarian cancer; Hereditary breast and/or ovarian cancer syndrome; Hereditary breast and ovarian cancer; Hereditary breast and ovarian cancer syndrome (HBOC); BRCA1- and BRCA2-Associated Hereditary Breast and Ovarian Cancer. Identifiers: Orphanet 145, MedGen C0677776, MeSH D061325, MONDO:0003582. Disease mechanism: loss of function.

gnomAD v4.1: 1 of 1,608,946 alleles (0.000062%); highest among the groups gnomAD compares: Admixed American, 0.0017%; no homozygotes.

Submissions (4):

Ambry Genetics
Classification: Likely pathogenic for Hereditary cancer-predisposing syndrome. Last evaluated: 2025-10-03. Review status: criteria provided, single submitter. Criteria: Ambry Variant Classification Scheme 2023. Collection method: clinical testing. Allele origin: germline.
Comment: The c.4358-31A>G intronic variant results from an A to G substitution 31 nucleotides upstream from coding exon 12 in the BRCA1 gene. This nucleotide position is well conserved in available vertebrate species. In silico splice site analysis predicts that this alteration may weaken the native splice acceptor site. RNA studies have demonstrated that this alteration results in abnormal splicing in the set of samples tested (Ambry internal data). Based on the majority of available evidence to date, this variant is likely to be pathogenic.

Labcorp Genetics (formerly Invitae), Labcorp
Classification: Pathogenic for Hereditary breast ovarian cancer syndrome. Last evaluated: 2025-09-28. Review status: criteria provided, single submitter. Criteria: Invitae Variant Classification Sherloc (09022015). Collection method: clinical testing. Allele origin: germline.
Comment: This sequence change falls in intron 12 of the BRCA1 gene. It does not directly change the encoded amino acid sequence of the BRCA1 protein. RNA analysis indicates that this variant induces altered splicing and may result in an absent or altered protein product. This variant is present in population databases (rs764503776, gnomAD 0.003%). This variant has not been reported in the literature in individuals affected with BRCA1-related conditions. ClinVar contains an entry for this variant (Variation ID: 3481886). Studies have shown that this variant results in skipping of exon 13, and produces a non-functional protein and/or introduces a premature termination codon (internal data). For these reasons, this variant has been classified as Pathogenic.

CeGaT Center for Human Genetics Tuebingen
Classification: Uncertain significance. Last evaluated: 2025-09-01. Review status: criteria provided, single submitter. Criteria: CeGaT Center For Human Genetics Tuebingen Variant Classification Criteria Version 2. Collection method: clinical testing. Allele origin: germline. Affected: yes. Observed: 2 variant alleles.
Comment: BRCA1: PM2:Supporting

Myriad Genetics, Inc.
Classification: Likely pathogenic for Breast-ovarian cancer, familial, susceptibility to, 1. Last evaluated: 2025-04-21. Review status: criteria provided, single submitter. Criteria: Myriad Autosomal Dominant, Autosomal Recessive and X-Linked Classification Criteria (2023). Collection method: clinical testing. Allele origin: unknown.
Comment: This variant is considered likely pathogenic. This variant is strongly associated with more severe personal and family histories of cancer, typical for individuals with pathogenic variants in this gene [PMID: 25085752].

Literature cited by the submitters: PubMed 35167739 (cited by Ambry Genetics); PubMed 25085752 (cited by Myriad Genetics, Inc.).

NM_007294.4(BRCA1):c.4358-31A>G

Gene: BRCA1 (BRCA1 DNA repair associated; minus strand). Cytogenetic location: 17q21.31.
Variant type: single nucleotide variant.
Coding change: c.4358-31A>G on transcript NM_007294.4 (MANE Select); 31 bases into the intron before coding-DNA position 4358, A replaced by G.
Molecular consequence: intron variant.
Genome position (GRCh38, 1-based): chr17:43,076,645, T>C on the plus strand (A>G on the coding strand, the complement: BRCA1 is on the minus strand). VCF-style: chr17-43076645-T-C. GRCh37 (hg19) VCF-style: chr17-41228662-T-C.
Other names: c.4094-34A>G (NM_001407928.1, NM_001407929.1, NM_001407927.1); c.4094-31A>G (NM_001407925.1, NM_001407921.1, NM_001407926.1 and 4 more transcripts); c.905-31A>G (NM_001408467.1, NM_001408466.1, NM_001408465.1 and 3 more transcripts); c.908-34A>G (NM_001408459.1, NM_001408460.1, NM_001408458.1 and 1 more transcripts); c.4217-34A>G (NM_001407945.1, NM_001407736.1, NM_001407732.1 and 7 more transcripts); c.4217-31A>G (NM_007297.4, NM_001407731.1, NM_001407695.1 and 13 more transcripts); c.845-31A>G (NM_001408475.1); c.4154-34A>G (NM_001407875.1, NM_001407874.1); and 98 more.
Identifiers: ClinVar variation 3481886 (VCV003481886.12).